The following is an entry in ClinVar:

ClinVar aggregate classification (germline): Likely pathogenic (1 of 4 stars; one submission).

Conditions:
Usher syndrome type 1 (USH1). Also called: RETINITIS PIGMENTOSA AND CONGENITAL DEAFNESS. Identifiers: Orphanet 231169, Orphanet 886, MedGen C1568247, MONDO:0010168, OMIM 276900.

Submission:

Myriad Genetics, Inc.
Classification: Likely pathogenic for Usher syndrome type 1. Last evaluated: 2019-06-07. Review status: criteria provided, single submitter. Criteria: Myriad Women's Health Autosomal Recessive and X-Linked Classification Criteria (2019). Collection method: clinical testing. Allele origin: unknown.
Comment: NM_000260.3(MYO7A):c.3271C>T(Q1091*) is expected to be pathogenic in the context of MYO7A-related disorders. This variant is predicted to lead to an abnormal or absent protein product due to the creation of a premature termination codon in MYO7A, a gene where loss-of-function variants are known to be pathogenic. Please note: this variant was assessed in the context of healthy population screening.

NM_000260.4(MYO7A):c.3271C>T (p.Gln1091Ter)

Gene: MYO7A (myosin VIIA; plus strand). Cytogenetic location: 11q13.5.
Variant type: single nucleotide variant.
Coding change: c.3271C>T on transcript NM_000260.4 (MANE Select); coding-DNA position 3271, C replaced by T.
Protein change: p.Gln1091Ter; replaces glutamine 1091 with a stop codon.
Molecular consequence: nonsense.
Genome position (GRCh38, 1-based): chr11:77,182,586, C>T. VCF-style: chr11-77182586-C-T. GRCh37 (hg19) VCF-style: chr11-76893631-C-T.
Other names: c.3271C>T, p.Gln1091Ter (NM_001127180.2); c.3238C>T, p.Gln1080Ter (NM_001369365.1); short protein forms Q1080*, Q1091*.
Identifiers: ClinVar variation 984297 (VCV000984297.3), dbSNP rs1955333327, ClinGen allele CA381945121.